The following is an entry in ClinVar:

ClinVar aggregate classification (germline): Uncertain significance (1 of 4 stars; one submission).

Submission:

Women's Health and Genetics/Laboratory Corporation of America, LabCorp
Classification: Uncertain significance. Last evaluated: 2023-11-21. Review status: criteria provided, single submitter. Criteria: LabCorp Variant Classification Summary - May 2015. Collection method: clinical testing. Allele origin: germline.
Comment: Variant summary: IGF1R c.1799A>C (p.Glu600Ala) results in a non-conservative amino acid change located in the Fibronectin type III domain of the encoded protein sequence. Two of four in-silico tools predict a benign effect of the variant on protein function. The variant was absent in 251480 control chromosomes. The available data on variant occurrences in the general population are insufficient to allow any conclusion about variant significance. To our knowledge, no occurrence of c.1799A>C in individuals affected with Growth Delay Due To Insulin-Like Growth Factor I Resistance and no experimental evidence demonstrating its impact on protein function have been reported. No submitters have cited clinical-significance assessments for this variant to ClinVar after 2014. Based on the evidence outlined above, the variant was classified as uncertain significance.

NM_000875.5(IGF1R):c.1799A>C (p.Glu600Ala)

Gene: IGF1R (insulin like growth factor 1 receptor; plus strand). Cytogenetic location: 15q26.3.
Variant type: single nucleotide variant.
Coding change: c.1799A>C on transcript NM_000875.5 (MANE Select); coding-DNA position 1799, A replaced by C.
Protein change: p.Glu600Ala; replaces glutamic acid 600 with alanine.
Molecular consequence: missense variant.
Genome position (GRCh38, 1-based): chr15:98,913,253, A>C. VCF-style: chr15-98913253-A-C. GRCh37 (hg19) VCF-style: chr15-99456482-A-C.
Other names: c.1799A>C, p.Glu600Ala (NM_001291858.2); short protein forms E600A.
Identifiers: ClinVar variation 2682208 (VCV002682208.1), dbSNP rs2015102082, ClinGen allele CA393679241.
Genomic context (GRCh38, chr15:98,913,253, plus strand): 5'-ACGTCAAGGCTGTGACCCTCACCATGGTGGAGAACGACCATATCCGTGGGGCCAAGAGTG[A>C]GATCTTGTACATTCGCACCAATGCTTCAGGTATCCATGCCTAGACAAGCCCCCAGCATCC-3'
Protein context (NP_000866.1, residues 590-610): ENDHIRGAKS[Glu600Ala]ILYIRTNASV